The following is an entry in ClinVar:

NM_015272.5(RPGRIP1L):c.200A>T (p.His67Leu)

Gene: RPGRIP1L (RPGRIP1 like; minus strand). Cytogenetic location: 16q12.2.
Variant type: single nucleotide variant.
Coding change: c.200A>T on transcript NM_015272.5 (MANE Select); coding-DNA position 200, A replaced by T.
Protein change: p.His67Leu; replaces histidine 67 with leucine.
Molecular consequence: missense variant.
Genome position (GRCh38, 1-based): chr16:53,696,181, T>A on the plus strand (A>T on the coding strand, the complement: RPGRIP1L is on the minus strand). VCF-style: chr16-53696181-T-A. GRCh37 (hg19) VCF-style: chr16-53730093-T-A.
Other names: c.200A>T (NM_015272.4, NM_015272.2); c.200A>T, p.His67Leu (NM_001127897.4, NM_001308334.3, NM_001328422.2 and 2 more transcripts); short protein forms H67L.
Identifiers: ClinVar variation 1989322 (VCV001989322.6), dbSNP rs763837182, ClinGen allele CA8058191.

ClinVar aggregate classification (germline): Uncertain significance. Review status: criteria provided, multiple submitters, no conflicts (2 of 4 stars). 3 submissions from 3 submitters: Uncertain significance (2). 1 of the submissions does not count toward it. Last evaluated 2024-11-13.

Conditions:
Inborn genetic diseases. Identifiers: MedGen C0950123, MeSH D030342.
RPGRIP1L-related disorder. Also called: RPGRIP1L-related disorders; RPGRIP1L-related condition. Identifiers: MedGen CN239416.
Joubert syndrome. Also called: Familial aplasia of the vermis; JOUBERT-BOLTSHAUSER SYNDROME. Identifiers: Orphanet 475, MedGen C5979921, MONDO:0018772.
Meckel-Gruber syndrome. Also called: Dysencephalia splachnocystica; DYSENCEPHALIA SPLANCHNOCYSTICA; GRUBER SYNDROME. Identifiers: Orphanet 564, MedGen C0265215, MONDO:0018921.
Joubert syndrome and related disorders. Identifiers: Orphanet 140874, MedGen C5679612, MONDO:0015369.

Allele frequency attached by ClinVar (database versions not stated): TOPMed below 0.00001; ExAC 0.00001; gnomAD 0.00001.
gnomAD v4.1: 29 of 1,613,944 alleles (0.0018%); highest among the groups gnomAD compares: Non-Finnish European, 0.0024%; no homozygotes.

Submissions (3):

Ambry Genetics
Classification: Uncertain significance for Inborn genetic diseases. Last evaluated: 2024-11-13. Review status: criteria provided, single submitter. Criteria: Ambry Variant Classification Scheme 2023. Collection method: clinical testing. Allele origin: germline.

Labcorp Genetics (formerly Invitae), Labcorp
Classification: Uncertain significance for Joubert syndrome; Meckel-Gruber syndrome. Last evaluated: 2022-06-10. Review status: criteria provided, single submitter. Criteria: Invitae Variant Classification Sherloc (09022015). Collection method: clinical testing. Allele origin: germline.
Comment: Algorithms developed to predict the effect of missense changes on protein structure and function are either unavailable or do not agree on the potential impact of this missense change (SIFT: "Deleterious"; PolyPhen-2: "Benign"; Align-GVGD: "Class C35"). This variant has not been reported in the literature in individuals affected with RPGRIP1L-related conditions. This variant is present in population databases (rs763837182, gnomAD 0.0009%). This sequence change replaces histidine, which is basic and polar, with leucine, which is neutral and non-polar, at codon 67 of the RPGRIP1L protein (p.His67Leu). In summary, the available evidence is currently insufficient to determine the role of this variant in disease. Therefore, it has been classified as a Variant of Uncertain Significance.

PreventionGenetics, part of Exact Sciences
Classification: Uncertain significance for RPGRIP1L-related condition. Last evaluated: 2024-06-19. Review status: no assertion criteria provided. Collection method: clinical testing. Allele origin: germline. Not counted in ClinVar's aggregate classification.
Comment: The RPGRIP1L c.200A>T variant is predicted to result in the amino acid substitution p.His67Leu. To our knowledge, this variant has not been reported in the literature. This variant is reported in 0.00088% of alleles in individuals of European (Non-Finnish) descent in gnomAD. At this time, the clinical significance of this variant is uncertain due to the absence of conclusive functional and genetic evidence.